The following is an entry in ClinVar:

NM_003238.6(TGFB2):c.684C>T (p.Cys228=)

Gene: TGFB2 (transforming growth factor beta 2; plus strand). Cytogenetic location: 1q41.
Variant type: single nucleotide variant.
Coding change: c.684C>T on transcript NM_003238.6 (MANE Select); coding-DNA position 684, C replaced by T.
Protein change: p.Cys228=; no amino-acid change (cysteine 228 retained).
Molecular consequence: synonymous variant. On other transcripts: non-coding transcript variant (2).
Genome position (GRCh38, 1-based): chr1:218,434,378, C>T. VCF-style: chr1-218434378-C-T. GRCh37 (hg19) VCF-style: chr1-218607720-C-T.
Other names: c.768C>T, p.Cys256= (NM_001135599.4).
Identifiers: ClinVar variation 3711210 (VCV003711210.2).

ClinVar aggregate classification (germline): Uncertain significance (1 of 4 stars; one submission).

Conditions:
Loeys-Dietz syndrome 4 (LDS4). Also called: ANEURYSM, AORTIC AND CEREBRAL, WITH ARTERIAL TORTUOSITY AND SKELETAL MANIFESTATIONS; TGFB2-Related Loeys-Dietz Syndrome. Identifiers: MedGen C3553762, MONDO:0013897, OMIM 614816.

gnomAD v4.1: 1 of 1,614,000 alleles (0.000062%); highest among the groups gnomAD compares: Non-Finnish European, 0.000085%; no homozygotes.

Submission:

Labcorp Genetics (formerly Invitae), Labcorp
Classification: Uncertain significance for Loeys-Dietz syndrome 4. Last evaluated: 2025-01-31. Review status: criteria provided, single submitter. Criteria: Invitae Variant Classification Sherloc (09022015). Collection method: clinical testing. Allele origin: germline.
Comment: This sequence change affects codon 228 of the TGFB2 mRNA. It is a 'silent' change, meaning that it does not change the encoded amino acid sequence of the TGFB2 protein. This variant is not present in population databases (gnomAD no frequency). This variant has not been reported in the literature in individuals affected with TGFB2-related conditions. Algorithms developed to predict the effect of sequence changes on RNA splicing suggest that this variant may disrupt the consensus splice site. In summary, the available evidence is currently insufficient to determine the role of this variant in disease. Therefore, it has been classified as a Variant of Uncertain Significance.